The following is an entry in ClinVar:

ClinVar aggregate classification (germline): Conflicting classifications of pathogenicity. Review status: criteria provided, conflicting classifications (1 of 4 stars). 4 submissions from 4 submitters: Uncertain significance (3); Likely benign (1). Last evaluated 2025-12-22.

Conditions:
Inborn genetic diseases. Identifiers: MedGen C0950123, MeSH D030342.
Fetal akinesia deformation sequence 1 (FADS1). Also called: Pena-Shokeir syndrome type I; Fetal akinesia sequence. Identifiers: Orphanet 994, MedGen C1276035, MONDO:0100101, OMIM 208150, HP:0001989.
Congenital myasthenic syndrome 9. Also called: Myasthenic syndrome, congenital, 9, associated with acetylcholine receptor deficiency. Identifiers: Orphanet 590, MedGen C4225368, MONDO:0014587, OMIM 616325.

Allele frequency attached by ClinVar (database versions not stated): gnomAD exomes 0.00007 and 0.00012; ExAC 0.00012; 1000 Genomes Project 0.00020; 1000 Genomes Project 30x 0.00031; gnomAD 0.00043 and 0.00044; TOPMed 0.00048; ESP Exome Variant Server 0.00058.
gnomAD v4.1: 157 of 1,613,916 alleles (0.0097%); highest among the groups gnomAD compares: African/African-American, 0.13%; 1 homozygote.

Submissions (4):

Labcorp Genetics (formerly Invitae), Labcorp
Classification: Likely benign for Congenital myasthenic syndrome 9; Fetal akinesia deformation sequence 1. Last evaluated: 2025-12-22. Review status: criteria provided, single submitter. Criteria: Invitae Variant Classification Sherloc (09022015). Collection method: clinical testing. Allele origin: germline.

GeneDx
Classification: Uncertain significance. Last evaluated: 2025-06-24. Review status: criteria provided, single submitter. Criteria: GeneDx Variant Classification Process June 2021. Collection method: clinical testing. Allele origin: germline. Affected: yes.
Comment: In silico analysis suggests that this missense variant does not alter protein structure/function; Has not been previously published as pathogenic or benign to our knowledge; This variant is associated with the following publications: (PMID: 25537362)

Ambry Genetics
Classification: Uncertain significance for Inborn genetic diseases. Last evaluated: 2024-11-14. Review status: criteria provided, single submitter. Criteria: Ambry Variant Classification Scheme 2023. Collection method: clinical testing. Allele origin: germline.

Revvity Omics, Revvity
Classification: Uncertain significance. Last evaluated: 2019-01-14. Review status: criteria provided, single submitter. Criteria: ACMG Guidelines, 2015. Collection method: clinical testing. Allele origin: germline.

NM_005592.4(MUSK):c.1025C>T (p.Ala342Val)

Gene: MUSK (muscle associated receptor tyrosine kinase; plus strand). Cytogenetic location: 9q31.3.
Variant type: single nucleotide variant.
Coding change: c.1025C>T on transcript NM_005592.4 (MANE Select); coding-DNA position 1025, C replaced by T.
Protein change: p.Ala342Val; replaces alanine 342 with valine.
Molecular consequence: missense variant. On other transcripts: 5 prime UTR variant (1), intron variant (2).
Genome position (GRCh38, 1-based): chr9:110,767,924, C>T. VCF-style: chr9-110767924-C-T. GRCh37 (hg19) VCF-style: chr9-113530204-C-T.
Other names: c.-212C>T (NM_001369398.1); c.950+5716C>T (NM_001166280.2); c.920+5716C>T (NM_001166281.2); short protein forms A342V.
Identifiers: ClinVar variation 476129 (VCV000476129.20), dbSNP rs375762569, ClinGen allele CA5184262.